The following is an entry in ClinVar:

NM_000540.3(RYR1):c.7229C>T (p.Pro2410Leu)

Gene: RYR1 (ryanodine receptor 1; plus strand). Cytogenetic location: 19q13.2.
Variant type: single nucleotide variant.
Coding change: c.7229C>T on transcript NM_000540.3 (MANE Select); coding-DNA position 7229, C replaced by T.
Protein change: p.Pro2410Leu; replaces proline 2410 with leucine.
Molecular consequence: missense variant.
Genome position (GRCh38, 1-based): chr19:38,499,922, C>T. VCF-style: chr19-38499922-C-T. GRCh37 (hg19) VCF-style: chr19-38990562-C-T.
Other names: c.7229C>T, p.Pro2410Leu (NM_001042723.2); short protein forms P2410L.
Identifiers: ClinVar variation 544405 (VCV000544405.12), dbSNP rs145787667, ClinGen allele CA069321.

ClinVar aggregate classification (germline): Conflicting classifications of pathogenicity. Review status: criteria provided, conflicting classifications (1 of 4 stars). 4 submissions from 4 submitters: Uncertain significance (3); Likely benign (1). Last evaluated 2026-03-31.

Conditions:
Malignant hyperthermia, susceptibility to, 1 (MHS1). Also called: Anesthesia related hyperthermia; Malignant hyperpyrexia; Fulminating hyperpyrexia; Pharmacogenic myopathy; Malignant hyperthermia suceptibility 1; RYR1-Related Malignant Hyperthermia Susceptibility. Identifiers: Orphanet 423, MedGen C2930980, MONDO:0007783, OMIM 145600.
RYR1-related disorder. Also called: RYR1-related condition; RYR1-related disorders. Identifiers: MedGen CN239331.

Allele frequency attached by ClinVar (database versions not stated): TOPMed 0.00003; gnomAD 0.00004 and 0.00006; gnomAD exomes 0.00005; ExAC 0.00008; ESP Exome Variant Server 0.00015.
gnomAD v4.1: 43 of 1,613,998 alleles (0.0027%); highest among the groups gnomAD compares: South Asian, 0.012%; no homozygotes.

Submissions (4):

GeneDx
Classification: Uncertain significance. Last evaluated: 2026-03-31. Review status: criteria provided, single submitter. Criteria: GeneDx Variant Classification Process June 2021. Collection method: clinical testing. Allele origin: germline.
Comment: Reported in two individuals from a cohort of individuals with presumed RYR1-related myopathies, however clinical information was not provided (PMID: 32236737); In silico analysis supports that this missense variant has a deleterious effect on protein structure/function; This variant is associated with the following publications: (PMID: 32236737, 12668474, 33767344)

Labcorp Genetics (formerly Invitae), Labcorp
Classification: Likely benign for RYR1-related disorder. Last evaluated: 2026-01-26. Review status: criteria provided, single submitter. Criteria: Invitae Variant Classification Sherloc (09022015). Collection method: clinical testing. Allele origin: germline.

Color Diagnostics, LLC DBA Color Health
Classification: Uncertain significance for Malignant hyperthermia, susceptibility to, 1. Last evaluated: 2025-07-01. Review status: criteria provided, single submitter. Criteria: ACMG Guidelines, 2015. Collection method: clinical testing. Allele origin: germline.
Comment: This missense variant replaces proline with leucine at codon 2410 of the RYR1 protein. Computational prediction suggests that this variant may not impact protein structure and function. To our knowledge, functional studies have not been reported for this variant. This variant has not been reported in individuals affected with RYR1-related disorders in the literature. This variant has been identified in 13/251328 chromosomes in the general population by the Genome Aggregation Database (gnomAD). The available evidence is insufficient to determine the role of this variant in disease conclusively. Therefore, this variant is classified as a Variant of Uncertain Significance.

PreventionGenetics, part of Exact Sciences
Classification: Uncertain significance for RYR1-related condition. Last evaluated: 2025-06-24. Review status: criteria provided, single submitter. Criteria: ACMG Guidelines, 2015. Collection method: clinical testing. Allele origin: germline.
Comment: The RYR1 c.7229C>T variant is predicted to result in the amino acid substitution p.Pro2410Leu. To our knowledge, this variant has not been reported in an individual with an RYR1-related disorder. This variant is reported in 0.025% of alleles in individuals of African descent in gnomAD. At this time, the clinical significance of this variant is uncertain due to the absence of conclusive functional and genetic evidence.